The following is an entry in ClinVar:

ClinVar aggregate classification (germline): Likely benign. Review status: criteria provided, multiple submitters, no conflicts (2 of 4 stars). 2 submissions from 2 submitters: Likely benign (2). Last evaluated 2025-08-17.

Conditions:
Familial adenomatous polyposis 1 (FAP1). Also called: FAMILIAL ADENOMATOUS POLYPOSIS 1, ATTENUATED; POLYPOSIS, ADENOMATOUS INTESTINAL. Identifiers: MedGen C2713442, MONDO:0021056, OMIM 175100. Disease mechanism: loss of function.

Submissions (2):

Labcorp Genetics (formerly Invitae), Labcorp
Classification: Likely benign for Familial adenomatous polyposis 1. Last evaluated: 2025-08-17. Review status: criteria provided, single submitter. Criteria: Invitae Variant Classification Sherloc (09022015). Collection method: clinical testing. Allele origin: germline.

Myriad Genetics, Inc.
Classification: Likely benign for Familial adenomatous polyposis 1. Last evaluated: 2024-03-05. Review status: criteria provided, single submitter. Criteria: Myriad Autosomal Dominant, Autosomal Recessive and X-Linked Classification Criteria (2023). Collection method: clinical testing. Allele origin: unknown.
Comment: This variant is considered likely benign. This variant is intronic and is not expected to impact mRNA splicing.

NM_000038.6(APC):c.1549-20_1549-16del

Gene: APC (APC regulator of Wnt signaling pathway; plus strand). Cytogenetic location: 5q22.2.
Variant type: Deletion.
Coding change: c.1549-20_1549-16del on transcript NM_000038.6 (MANE Select); 20 bases into the intron before coding-DNA position 1549 through 16 bases into the intron before coding-DNA position 1549, 5 bases deleted (ATTCT; older notation c.1549-20_1549-16delATTCT).
Molecular consequence: intron variant.
Genome position (GRCh38, 1-based): chr5:112,827,909-112,827,913, ATTCT deleted; deleting any 5 consecutive bases within chr5:112,827,906-112,827,913 gives the same sequence; the c. name uses the placement nearest the transcript's 3' end. VCF-style (leftmost placement, unchanged base first): chr5-112827905-CTCTAT-C. GRCh37 (hg19) VCF-style: chr5-112163602-CTCTAT-C.
Other names: c.1300-20_1300-16del (NM_001407454.1, NM_001407456.1, NM_001407457.1 and 1 more transcripts); c.1246-20_1246-16del (NM_001354903.2, NM_001407460.1, NM_001407458.1 and 1 more transcripts); c.1372-20_1372-16del (NM_001354901.2, NM_001407453.1); c.1069-20_1069-16del (NM_001354905.2); c.1465-20_1465-16del (NM_001354899.2); c.1162-20_1162-16del (NM_001407467.1, NM_001407469.1); c.1426-20_1426-16del (NM_001354900.2); c.700-20_700-16del (NM_001407470.1, NM_001354906.2); and 11 more.
Identifiers: ClinVar variation 2722352 (VCV002722352.4), dbSNP rs2533216815, ClinGen allele CA2697546180.
Genomic context (GRCh38, chr5:112,827,905, plus strand): 5'-TGAATTAGACATTTAGTAGCCAAAAATAAAGCTTGGCTTCAAGTTGTCTTTTTAATGATC[CTCTAT>C]TCTGTATTTAATTTACAGGCTACGCTATGCTCTATGAAAGGCTGCATGAGAGCACTTGTG-3'